The following is an entry in ClinVar:

ClinVar aggregate classification (germline): Uncertain significance (1 of 4 stars; one submission).

Allele frequency attached by ClinVar (database versions not stated): gnomAD exomes below 0.00001.
gnomAD v4.1: 1 of 1,607,096 alleles (0.000062%); highest among the groups gnomAD compares: East Asian, 0.0022%; no homozygotes.

Submission:

Labcorp Genetics (formerly Invitae), Labcorp
Classification: Uncertain significance. Last evaluated: 2022-06-01. Review status: criteria provided, single submitter. Criteria: Invitae Variant Classification Sherloc (09022015). Collection method: clinical testing. Allele origin: germline.
Comment: This sequence change replaces leucine, which is neutral and non-polar, with methionine, which is neutral and non-polar, at codon 408 of the LARS2 protein (p.Leu408Met). This variant is present in population databases (no rsID available, gnomAD 0.006%). This variant has not been reported in the literature in individuals affected with LARS2-related conditions. Algorithms developed to predict the effect of missense changes on protein structure and function output the following: SIFT: "Tolerated"; PolyPhen-2: "Benign"; Align-GVGD: "Class C0". The methionine amino acid residue is found in multiple mammalian species, which suggests that this missense change does not adversely affect protein function. In summary, the available evidence is currently insufficient to determine the role of this variant in disease. Therefore, it has been classified as a Variant of Uncertain Significance.

NM_015340.4(LARS2):c.1222C>A (p.Leu408Met)

Genes: LARS2 (leucyl-tRNA synthetase 2, mitochondrial; plus strand), LARS2-AS1 (LARS2 antisense RNA 1; minus strand). Cytogenetic location: 3p21.31.
Variant type: single nucleotide variant.
Coding change: c.1222C>A on transcript NM_015340.4 (MANE Select); coding-DNA position 1222, C replaced by A.
Protein change: p.Leu408Met; replaces leucine 408 with methionine.
Molecular consequence: missense variant.
Genome position (GRCh38, 1-based): chr3:45,488,795, C>A. VCF-style: chr3-45488795-C-A. GRCh37 (hg19) VCF-style: chr3-45530287-C-A.
Other names: c.1222C>A, p.Leu408Met (NM_001368263.1); short protein forms L408M.
Identifiers: ClinVar variation 2077151 (VCV002077151.4), dbSNP rs1473801037, ClinGen allele CA352425470.
Genomic context (GRCh38, chr3:45,488,795, plus strand): 5'-CAAACCCTGGGCCTGGCCTACTCTGAAGTCATTGAAACTTTGCCAGATGGCACAGAGAGA[C>A]TGAGCAGCTCTGCTGAGGTTGGTGACTAAGAACTTACTTCCAGAATGATCACCTTGATAC-3'
Protein context (NP_056155.1, residues 398-418): IETLPDGTER[Leu408Met]SSSAEFTGMT